The following is an entry in ClinVar:

ClinVar aggregate classification (germline): Uncertain significance (1 of 4 stars; one submission).

Conditions:
Developmental and epileptic encephalopathy, 34 (DEE34). Also called: SLC12A5-Related Epilepsy of Infancy with Migrating Focal Seizures; Early infantile epileptic encephalopathy 34. Identifiers: Orphanet 293181, MedGen C4225257, MONDO:0014718, OMIM 616645.

Allele frequency attached by ClinVar (database versions not stated): ExAC 0.00001; gnomAD 0.00001; gnomAD exomes 0.00001; TOPMed 0.00002; ESP Exome Variant Server 0.00008.
gnomAD v4.1: 18 of 1,614,014 alleles (0.0011%); highest among the groups gnomAD compares: Admixed American, 0.0017%; no homozygotes.

Submission:

Labcorp Genetics (formerly Invitae), Labcorp
Classification: Uncertain significance for Developmental and epileptic encephalopathy, 34. Last evaluated: 2020-07-31. Review status: criteria provided, single submitter. Criteria: Invitae Variant Classification Sherloc (09022015). Collection method: clinical testing. Allele origin: germline.
Comment: Algorithms developed to predict the effect of missense changes on protein structure and function (SIFT, PolyPhen-2, Align-GVGD) all suggest that this variant is likely to be tolerated, but these predictions have not been confirmed by published functional studies and their clinical significance is uncertain. This sequence change replaces valine with isoleucine at codon 811 of the SLC12A5 protein (p.Val811Ile). The valine residue is moderately conserved and there is a small physicochemical difference between valine and isoleucine. This variant is present in population databases (rs201152687, ExAC 0.002%). This variant has not been reported in the literature in individuals with SLC12A5-related conditions. In summary, the available evidence is currently insufficient to determine the role of this variant in disease. Therefore, it has been classified as a Variant of Uncertain Significance.

NM_020708.5(SLC12A5):c.2431G>A (p.Val811Ile)

Gene: SLC12A5 (solute carrier family 12 member 5; plus strand). Cytogenetic location: 20q13.12.
Variant type: single nucleotide variant.
Coding change: c.2431G>A on transcript NM_020708.5 (MANE Select); coding-DNA position 2431, G replaced by A.
Protein change: p.Val811Ile; replaces valine 811 with isoleucine.
Molecular consequence: missense variant.
Genome position (GRCh38, 1-based): chr20:46,053,010, G>A. VCF-style: chr20-46053010-G-A. GRCh37 (hg19) VCF-style: chr20-44681649-G-A.
Other names: c.2500G>A, p.Val834Ile (NM_001134771.2); short protein forms V811I, V834I.
Identifiers: ClinVar variation 1046140 (VCV001046140.7), dbSNP rs201152687, ClinGen allele CA9887608.